The following is an entry in ClinVar:

NM_007272.3(CTRC):c.164G>A (p.Trp55Ter)

Gene: CTRC (chymotrypsin C; plus strand). Cytogenetic location: 1p36.21.
Variant type: single nucleotide variant.
Coding change: c.164G>A on transcript NM_007272.3 (MANE Select); coding-DNA position 164, G replaced by A.
Protein change: p.Trp55Ter; replaces tryptophan 55 with a stop codon.
Molecular consequence: nonsense.
Genome position (GRCh38, 1-based): chr1:15,440,524, G>A. VCF-style: chr1-15440524-G-A. GRCh37 (hg19) VCF-style: chr1-15767020-G-A.
Other names: short protein forms W55*.
Identifiers: ClinVar variation 8180 (VCV000008180.11), dbSNP rs121909294, ClinGen allele CA119352.

ClinVar aggregate classification (germline): Conflicting classifications of pathogenicity. Review status: criteria provided, conflicting classifications (1 of 4 stars). 5 submissions from 5 submitters: Pathogenic (2); Uncertain significance (1). 2 of the submissions do not count toward it. Last evaluated 2025-08-17.

Conditions:
Hereditary pancreatitis (PCTT). Also called: Hereditary chronic pancreatitis; PRSS1-Related Hereditary Pancreatitis. Identifiers: Orphanet 676, MedGen C0238339, MONDO:0008185, OMIM 167800.
Pancreatitis, chronic, susceptibility to. Identifiers: MedGen C1969419.

Allele frequency attached by ClinVar (database versions not stated): gnomAD 0.00004; gnomAD exomes 0.00002 and 0.00001; TOPMed 0.00002.
gnomAD v4.1: 25 of 1,614,076 alleles (0.0015%); highest among the groups gnomAD compares: Admixed American, 0.015%; no homozygotes.

Submissions (5):

Labcorp Genetics (formerly Invitae), Labcorp
Classification: Uncertain significance for Hereditary pancreatitis. Last evaluated: 2025-08-17. Review status: criteria provided, single submitter. Criteria: Invitae Variant Classification Sherloc (09022015). Collection method: clinical testing. Allele origin: germline.
Comment: This sequence change creates a premature translational stop signal (p.Trp55*) in the CTRC gene. It is expected to result in an absent or disrupted protein product. However, the current clinical and genetic evidence is not sufficient to establish whether loss-of-function variants in CTRC cause disease. This variant is present in population databases (rs121909294, gnomAD 0.01%). This premature translational stop signal has been observed in individual(s) with pancreatitis (PMID: 18172691). ClinVar contains an entry for this variant (Variation ID: 8180). In summary, the available evidence is currently insufficient to determine the role of this variant in disease. Therefore, it has been classified as a Variant of Uncertain Significance.

Ambry Genetics
Classification: Pathogenic for Hereditary pancreatitis. Last evaluated: 2024-12-30. Review status: criteria provided, single submitter. Criteria: Ambry Variant Classification Scheme 2023. Collection method: clinical testing. Allele origin: germline.
Comment: The p.W55* pathogenic mutation (also known as c.164G>A), located in coding exon 3 of the CTRC gene, results from a G to A substitution at nucleotide position 164. This changes the amino acid from a tryptophan to a stop codon within coding exon 3. This mutation was reported in a French cohort of individuals with chronic pancreatitis (Masson E et al. Hum. Genet., 2008 Feb;123:83-91; Masson E et al. PLoS ONE, 2013 Aug;8:e73522). In addition to the clinical data presented in the literature, this alteration is expected to result in loss of function by premature protein truncation or nonsense-mediated mRNA decay. As such, this alteration is interpreted as a disease-causing mutation.

ARUP Laboratories, Molecular Genetics and Genomics, ARUP Laboratories
Classification: Pathogenic for Hereditary pancreatitis. Last evaluated: 2020-11-08. Review status: criteria provided, single submitter. Criteria: ARUP Molecular Germline Variant Investigation Process 2021. Collection method: clinical testing. Allele origin: germline.
Comment: The CTRC c.164G>A; p.Trp55Ter variant (rs121909294) is reported in the literature in at least one individual affected with chronic pancreatitis (Masson 2008). This variant is also reported in ClinVar (Variation ID: 8180), and is only observed on seven alleles in the Genome Aggregation Database, indicating it is not a common polymorphism. This variant induces an early termination codon and is predicted to result in a truncated protein or mRNA subject to nonsense-mediated decay. Additionally, several downstream truncating variants have been described in individuals with pancreatitis and are considered pathogenic (Paliwal 2013, Rosendahl 2008). Based on available information, this variant is considered to be pathogenic. References: Masson E et al. Association of rare chymotrypsinogen C (CTRC) gene variations in patients with idiopathic chronic pancreatitis. Hum Genet. 2008 Feb;123(1):83-91. Paliwal S et al. Comprehensive screening of chymotrypsin C (CTRC) gene in tropical calcific pancreatitis identifies novel variants. Gut. 2013 Nov;62(11):1602-6. Rosendahl J et al. Chymotrypsin C (CTRC) variants that diminish activity or secretion are associated with chronic pancreatitis. Nat Genet. 2008; 40(1):78-82.

OMIM
Classification: risk factor for PANCREATITIS, CHRONIC, SUSCEPTIBILITY TO. Last evaluated: 2008-02-01. Review status: no assertion criteria provided. Collection method: literature only. Allele origin: germline. Not counted in ClinVar's aggregate classification.

GeneReviews
No classification provided. Condition: Hereditary pancreatitis. Review status: no classification provided. Collection method: literature only. Allele origin: germline. Affected: yes. Not counted in ClinVar's aggregate classification.

Literature cited by the submitters: PubMed 18172691 (cited by 4 submitters); PubMed 23951356 (cited by Ambry Genetics).